The following is an entry in ClinVar:

ClinVar aggregate classification (germline): Uncertain significance (1 of 4 stars; one submission).

Submission:

GeneDx
Classification: Uncertain significance. Last evaluated: 2020-07-08. Review status: criteria provided, single submitter. Criteria: GeneDx Variant Classification Process June 2021. Collection method: clinical testing. Allele origin: germline. Affected: yes.
Comment: Not observed in large population cohorts (Lek et al., 2016); In silico analysis supports that this missense variant does not alter protein structure/function; Has not been previously published as pathogenic or benign to our knowledge

NM_005826.5(HNRNPR):c.647A>G (p.Lys216Arg)

Gene: HNRNPR (heterogeneous nuclear ribonucleoprotein R; minus strand). Cytogenetic location: 1p36.12.
Variant type: single nucleotide variant.
Coding change: c.647A>G on transcript NM_005826.5 (MANE Select); coding-DNA position 647, A replaced by G.
Protein change: p.Lys216Arg; replaces lysine 216 with arginine.
Molecular consequence: missense variant. On other transcripts: intron variant (1).
Genome position (GRCh38, 1-based): chr1:23,323,584, T>C on the plus strand (A>G on the coding strand, the complement: HNRNPR is on the minus strand). VCF-style: chr1-23323584-T-C. GRCh37 (hg19) VCF-style: chr1-23650077-T-C.
Other names: c.344A>G, p.Lys115Arg (NM_001102397.3, NM_001102399.3); c.647A>G, p.Lys216Arg (NM_001102398.3); c.533A>G, p.Lys178Arg (NM_001297620.2); c.230A>G, p.Lys77Arg (NM_001297622.2); c.196-1921A>G (NM_001297621.2); short protein forms K115R, K178R, K216R, K77R.
Identifiers: ClinVar variation 1313026 (VCV001313026.2), dbSNP rs2148388064, ClinGen allele CA339261049.
Genomic context (GRCh38, chr1:23,323,584, plus strand): 5'-ACTTGCTAAGACAGTGGATAATTATCACATACCAGTTTCACGGCTTCCTGTGCAGCTTCC[T>C]TTCCACAGAAGGTGATAAATGCATACCCTCTATTCTGACCGGACAGTGGATCCATCATAA-3'
Protein context (NP_005817.1, residues 206-226): RGYAFITFCG[Lys216Arg]EAAQEAVKLC